The following is an entry in ClinVar:

NM_001035.3(RYR2):c.11017C>T (p.Arg3673Trp)

Gene: RYR2 (ryanodine receptor 2; plus strand). Cytogenetic location: 1q43.
Variant type: single nucleotide variant.
Coding change: c.11017C>T on transcript NM_001035.3 (MANE Select); coding-DNA position 11017, C replaced by T.
Protein change: p.Arg3673Trp; replaces arginine 3673 with tryptophan.
Molecular consequence: missense variant.
Genome position (GRCh38, 1-based): chr1:237,732,127, C>T. VCF-style: chr1-237732127-C-T. GRCh37 (hg19) VCF-style: chr1-237895427-C-T.
Other names: c.11017C>T, p.Arg3673Trp (LRG_402t1); short protein forms R3673W.
Identifiers: ClinVar variation 207952 (VCV000207952.11), dbSNP rs796052205, ClinGen allele CA204283.

ClinVar aggregate classification (germline): Uncertain significance. Review status: criteria provided, single submitter (1 of 4 stars). 2 submissions from 2 submitters: Uncertain significance (1). 1 of the submissions does not count toward it. Last evaluated 2024-06-15.

Conditions:
Long QT syndrome (LQTS). Identifiers: MedGen C0023976, MeSH D008133, MONDO:0002442. Disease mechanism: loss of function. Inheritance: Various modes of inheritance.
Catecholaminergic polymorphic ventricular tachycardia 1. Also called: VENTRICULAR TACHYCARDIA, STRESS-INDUCED POLYMORPHIC 1; VENTRICULAR TACHYCARDIA, CATECHOLAMINERGIC POLYMORPHIC, 1, WITH OR WITHOUT ATRIAL DYSFUNCTION AND/OR DILATED CARDIOMYOPATHY; RYR2-Related Catecholaminergic Polymorphic Ventricular Tachycardia. Identifiers: Orphanet 3286, MedGen C1631597, MONDO:0011484, OMIM 604772.

Allele frequency attached by ClinVar (database versions not stated): gnomAD exomes below 0.00001; TOPMed below 0.00001.
gnomAD v4.1: 4 of 1,608,466 alleles (0.00025%); highest among the groups gnomAD compares: South Asian, 0.0011%; no homozygotes.

Submissions (2):

Labcorp Genetics (formerly Invitae), Labcorp
Classification: Uncertain significance for Catecholaminergic polymorphic ventricular tachycardia 1. Last evaluated: 2024-06-15. Review status: criteria provided, single submitter. Criteria: Invitae Variant Classification Sherloc (09022015). Collection method: clinical testing. Allele origin: germline.
Comment: This sequence change replaces arginine, which is basic and polar, with tryptophan, which is neutral and slightly polar, at codon 3673 of the RYR2 protein (p.Arg3673Trp). This variant is not present in population databases (gnomAD no frequency). This missense change has been observed in individual(s) with long QT syndrome (PMID: 26132555). ClinVar contains an entry for this variant (Variation ID: 207952). Advanced modeling of protein sequence and biophysical properties (such as structural, functional, and spatial information, amino acid conservation, physicochemical variation, residue mobility, and thermodynamic stability) has been performed at Invitae for this missense variant, however the output from this modeling did not meet the statistical confidence thresholds required to predict the impact of this variant on RYR2 protein function. In summary, the available evidence is currently insufficient to determine the role of this variant in disease. Therefore, it has been classified as a Variant of Uncertain Significance.

Medical Research Institute, Tokyo Medical and Dental University
Classification: Uncertain significance for Long QT syndrome. Review status: no assertion criteria provided. Collection method: research. Allele origin: germline. Affected: yes. Not counted in ClinVar's aggregate classification.

Literature cited by the submitters: PubMed 26132555 (cited by Labcorp Genetics (formerly Invitae), Labcorp and Medical Research Institute, Tokyo Medical and Dental University).